The following is an entry in ClinVar:

NM_012331.5(MSRA):c.558C>T (p.His186=)

Gene: MSRA (methionine sulfoxide reductase A). Cytogenetic location: 8p23.1.
Variant type: single nucleotide variant.
Coding change: c.558C>T on transcript NM_012331.5 (MANE Select); coding-DNA position 558, C replaced by T.
Protein change: p.His186=; no amino-acid change (histidine 186 retained).
Molecular consequence: synonymous variant.
Genome position (GRCh38, 1-based): chr8:10,428,162, C>T. VCF-style: chr8-10428162-C-T. GRCh37 (hg19) VCF-style: chr8-10285672-C-T.
Other names: c.438C>T, p.His146= (NM_001135670.3); c.429C>T, p.His143= (NM_001135671.3); c.360C>T, p.His120= (NM_001199729.3).
Identifiers: ClinVar variation 3033555 (VCV003033555.2), dbSNP rs139382033, ClinGen allele CA4622387.
Genomic context (GRCh38, chr8:10,428,162, plus strand): 5'-GTCTCTCTAGCATGGGAGCTGATGGCGCCTTTCTGTGTCCCCACAGGTTCTTTCAGAGCA[C>T]GGCTTCGGCCCCATCACTACCGACATCCGGGAGGGACAGACTTTCTACTATGCGGAAGAC-3'
Protein context (NP_036463.1, residues 176-196): KENYQKVLSE[His186=]GFGPITTDIR

ClinVar aggregate classification (germline): Likely benign (0 of 4 stars; one submission).

Conditions:
MSRA-related disorder. Also called: MSRA-related condition.

Allele frequency attached by ClinVar (database versions not stated): ExAC 0.00004; TOPMed 0.00006; ESP Exome Variant Server 0.00023.
gnomAD v4.1: 122 of 1,612,644 alleles (0.0076%); highest among the groups gnomAD compares: Middle Eastern, 0.033%; no homozygotes.

Submission:

PreventionGenetics, part of Exact Sciences
Classification: Likely benign for MSRA-related condition. Last evaluated: 2019-12-09. Review status: no assertion criteria provided. Collection method: clinical testing. Allele origin: germline.
Comment: This variant is classified as likely benign based on ACMG/AMP sequence variant interpretation guidelines (Richards et al. 2015 PMID: 25741868, with internal and published modifications).